The following is an entry in ClinVar:

NM_002473.6(MYH9):c.5286C>G (p.Ile1762Met)

Gene: MYH9 (myosin heavy chain 9; minus strand). Cytogenetic location: 22q12.3.
Variant type: single nucleotide variant.
Coding change: c.5286C>G on transcript NM_002473.6 (MANE Select); coding-DNA position 5286, C replaced by G.
Protein change: p.Ile1762Met; replaces isoleucine 1762 with methionine.
Molecular consequence: missense variant.
Genome position (GRCh38, 1-based): chr22:36,285,318, G>C on the plus strand (C>G on the coding strand, the complement: MYH9 is on the minus strand). VCF-style: chr22-36285318-G-C. GRCh37 (hg19) VCF-style: chr22-36681364-G-C.
Other names: short protein forms I1762M.
Identifiers: ClinVar variation 667133 (VCV000667133.8), dbSNP rs1603482715, ClinGen allele CA411373812.
Genomic context (GRCh38, chr22:36,285,318, plus strand): 5'-CTGCTGCCGAGCATTCTCGTTCTTCTGGGCGTGGCTGCGCTCCAGGTTCAGGTCGGTGTT[G>C]ATCTGGTCGATCTGCAGAAGAAGGGCCAGTGACCTTGGGGAGGGCTGGGGCCCTGGCTGG-3'
Protein context (NP_002464.1, residues 1752-1772): LKKANLQIDQ[Ile1762Met]NTDLNLERSH

ClinVar aggregate classification (germline): Likely benign. Review status: criteria provided, multiple submitters, no conflicts (2 of 4 stars). 2 submissions from 2 submitters: Likely benign (2). Last evaluated 2020-10-08.

Conditions:
Autosomal dominant nonsyndromic hearing loss 17. Also called: Autosomal dominant nonsyndromic deafness 17; Deafness, autosomal dominant 17. Identifiers: Orphanet 90635, MedGen C1863659, MONDO:0011350, OMIM 603622.

Allele frequency attached by ClinVar (database versions not stated): gnomAD exomes below 0.00001.
gnomAD v4.1: 1 of 1,609,364 alleles (0.000062%); highest among the groups gnomAD compares: Non-Finnish European, 0.000085%; no homozygotes.

Submissions (2):

Institute of Human Genetics, University of Goettingen
Classification: Likely benign for Autosomal dominant nonsyndromic hearing loss 17. Last evaluated: 2020-10-08. Review status: criteria provided, single submitter. Criteria: ACMG Guidelines, 2015. Collection method: clinical testing. Allele origin: paternal. Inheritance: Autosomal dominant inheritance. Observed: 1 heterozygote.
Comment: ACMG criteria used for classification: PM2, PP2, BP4, BS2

Laboratory for Molecular Medicine, Mass General Brigham Personalized Medicine
Classification: Likely benign. Last evaluated: 2019-02-12. Review status: criteria provided, single submitter. Criteria: LMM Criteria. Collection method: clinical testing. Allele origin: germline. Observed: 1 variant allele.
Comment: The p.Ile1762Met variant in MYH9 is classified as likely benign due to a lack of conservation across species. Three mammals (hedgehog, star-nosed mole, and armadillo) carry a methionine (Met) at this position despite high nearby amino acid conservation. In addition, computational prediction tools predict that this variant does not impact the protein. It was absent from large population studies. ACMG/AMP Criteria applied: BP4_Strong, PM2.